The following is an entry in ClinVar:

ClinVar aggregate classification (germline): Uncertain significance (1 of 4 stars; one submission).

Submission:

GeneDx
Classification: Uncertain significance. Last evaluated: 2025-01-23. Review status: criteria provided, single submitter. Criteria: GeneDx Variant Classification Process June 2021. Collection method: clinical testing. Allele origin: germline. Affected: yes.
Comment: Not observed at significant frequency in large population cohorts (gnomAD); In silico analysis indicates that this missense variant does not alter protein structure/function; Has not been previously published as pathogenic or benign to our knowledge.

NM_014233.4(UBTF):c.1183C>G (p.Pro395Ala)

Genes: ATXN7L3-AS1 (ATXN7L3 antisense RNA 1; plus strand), UBTF (upstream binding transcription factor; minus strand), LOC121587595 (Sharpr-MPRA regulatory region 7848; plus strand). Cytogenetic location: 17q21.31.
Variant type: single nucleotide variant.
Coding change: c.1183C>G on transcript NM_014233.4 (MANE Select); coding-DNA position 1183, C replaced by G.
Protein change: p.Pro395Ala; replaces proline 395 with alanine.
Molecular consequence: missense variant. On other transcripts: non-coding transcript variant (1).
Genome position (GRCh38, 1-based): chr17:44,211,059, G>C on the plus strand (C>G on the coding strand, the complement: UBTF is on the minus strand). VCF-style: chr17-44211059-G-C. GRCh37 (hg19) VCF-style: chr17-42288427-G-C.
Other names: c.1072C>G, p.Pro358Ala (NM_001076683.2, NM_001076684.3); short protein forms P358A, P395A.
Identifiers: ClinVar variation 4071806 (VCV004071806.1).